The following is an entry in ClinVar:

NM_000069.3(CACNA1S):c.1583G>T (p.Arg528Leu)

Gene: CACNA1S (calcium voltage-gated channel subunit alpha1 S; minus strand). Cytogenetic location: 1q32.1.
Variant type: single nucleotide variant.
Coding change: c.1583G>T on transcript NM_000069.3 (MANE Select); coding-DNA position 1583, G replaced by T.
Protein change: p.Arg528Leu; replaces arginine 528 with leucine.
Molecular consequence: missense variant.
Genome position (GRCh38, 1-based): chr1:201,077,915, C>A on the plus strand (G>T on the coding strand, the complement: CACNA1S is on the minus strand). VCF-style: chr1-201077915-C-A. GRCh37 (hg19) VCF-style: chr1-201047043-C-A.
Other names: short protein forms R528L.
Identifiers: ClinVar variation 473965 (VCV000473965.19), dbSNP rs80338777, ClinGen allele CA35978916.

ClinVar aggregate classification (germline): Conflicting classifications of pathogenicity. Review status: criteria provided, conflicting classifications (1 of 4 stars). 6 submissions from 6 submitters: Likely pathogenic (5); Uncertain significance (1). Last evaluated 2025-12-08.

Conditions:
CACNA1S-related disorder. Also called: CACNA1S-related condition.
Hypokalemic periodic paralysis, type 1. Also called: HypoPP; Hypokalemic Periodic Paralysis Type 1 (AD). Identifiers: Orphanet 681, MedGen C3714580, MONDO:0042979, OMIM 170400.
Malignant hyperthermia, susceptibility to, 5 (MHS5). Also called: CACNA1S-Related Malignant Hyperthermia Susceptibility. Identifiers: Orphanet 423, MedGen C1866077, MONDO:0011163, OMIM 601887.
Thyrotoxic periodic paralysis, susceptibility to, 1 (TTPP1). Identifiers: Orphanet 79102, MedGen C2749982, MONDO:0008570, OMIM 188580.

Allele frequency attached by ClinVar (database versions not stated): gnomAD exomes 0.00001; TOPMed 0.00003.
gnomAD v4.1: 29 of 1,614,016 alleles (0.0018%); highest among the groups gnomAD compares: Middle Eastern, 0.017%; no homozygotes.

Submissions (6):

Labcorp Genetics (formerly Invitae), Labcorp
Classification: Likely pathogenic for Hypokalemic periodic paralysis, type 1; Malignant hyperthermia, susceptibility to, 5. Last evaluated: 2025-12-08. Review status: criteria provided, single submitter. Criteria: Invitae Variant Classification Sherloc (09022015). Collection method: clinical testing. Allele origin: germline.
Comment: This sequence change replaces arginine, which is basic and polar, with leucine, which is neutral and non-polar, at codon 528 of the CACNA1S protein (p.Arg528Leu). This variant is present in population databases (no rsID available, gnomAD 0.004%). This missense change has been observed in individual(s) with clinical features of autosomal dominant CACNA1S-related conditions (PMID: 29193480; internal data). ClinVar contains an entry for this variant (Variation ID: 473965). Invitae Evidence Modeling of protein sequence and biophysical properties (such as structural, functional, and spatial information, amino acid conservation, physicochemical variation, residue mobility, and thermodynamic stability) has been performed for this missense variant. However, the output from this modeling did not meet the statistical confidence thresholds required to predict the impact of this variant on CACNA1S protein function. This variant disrupts the p.Arg528 amino acid residue in CACNA1S. Other variant(s) that disrupt this residue have been determined to be pathogenic (PMID: 7847370, 7987325, 9066893, 11034874, 11808349, 15726306, 19822448). This suggests that this residue is clinically significant, and that variants that disrupt this residue are likely to be disease-causing. In summary, the currently available evidence indicates that the variant is pathogenic, but additional data are needed to prove that conclusively. Therefore, this variant has been classified as Likely Pathogenic.

Variantyx, Inc.
Classification: Likely pathogenic for Malignant hyperthermia, susceptibility to, 5. Last evaluated: 2025-09-23. Review status: criteria provided, single submitter. Criteria: Variantyx Assertion Criteria 2022. Collection method: clinical testing. Allele origin: germline. Inheritance: Autosomal dominant inheritance. Affected: yes.
Comment: This is a nonsynonymous variant in the CACNA1S gene (OMIM: 114208). Pathogenic variants in this gene have been associated with autosomal dominant CACNA1S-related disorders. This variant has been reported in at least 2 unrelated individuals affected by hypokalemic periodic paralysis (hypoPP) (PMID: 29193480) (PS4_Moderate). An alternate amino acid change at this position (p.Arg528His) has been previously reported in individuals with hypoPP, which suggests that this residue is biologically important (PMID: 7847370, 7987325, 9066893, 11034874, 11808349, 15726306) (PM5). Multiple computational algorithms predict a deleterious effect for this variant (REVEL score: 0.976) (PP3). This variant has a 0.0023% maximum allele frequency in non-founder control populations (PM2). Based on the current evidence, this variant is classified as likely pathogenic for autosomal dominant CACNA1S-related disorders.

GeneDx
Classification: Likely pathogenic. Last evaluated: 2025-08-12. Review status: criteria provided, single submitter. Criteria: GeneDx Variant Classification Process June 2021. Collection method: clinical testing. Allele origin: germline. Affected: yes.
Comment: In silico analysis supports that this missense variant has a deleterious effect on protein structure/function; This variant is associated with the following publications: (PMID: 31321302, 39333966, 19118277, 29193480, 40018084)

Color Diagnostics, LLC DBA Color Health
Classification: Uncertain significance for Malignant hyperthermia, susceptibility to, 5. Last evaluated: 2025-06-04. Review status: criteria provided, single submitter. Criteria: ACMG Guidelines, 2015. Collection method: clinical testing. Allele origin: germline.
Comment: This missense variant replaces arginine with leucine at codon 528 of the CACNA1S protein. Computational prediction suggests that this variant may have deleterious impact on protein structure and function. To our knowledge, functional studies have not been reported for this variant. This variant has not been reported in individuals affected with autosomal dominant malignant hyperthermia in the literature, although it is associated with other phenotypes (ClinVar Variation ID: 473965PMID: 25430699, 29193480, 31321302). This variant has been identified in 3/251124 chromosomes in the general population by the Genome Aggregation Database (gnomAD). Due to insufficient evidence, this variant is classified as a Variant of Uncertain Significance for autosomal dominant malignant hyperthermia.

PreventionGenetics, part of Exact Sciences
Classification: Likely pathogenic for CACNA1S-related condition. Last evaluated: 2025-05-29. Review status: criteria provided, single submitter. Criteria: ACMG Guidelines, 2015. Collection method: clinical testing. Allele origin: germline.
Comment: The CACNA1S c.1583G>T variant is predicted to result in the amino acid substitution p.Arg528Leu. This variant has been reported in at least six families with CACNA1S-related disease (Anandan et al. 2018. PubMed ID: 29193480; Table e-1 - Nicolau et al. 2019. PubMed ID: 31321302). Additionally, multiple missense variants impacting this amino acid (p.Arg528His, p.Arg528Cys, p.Arg528Gly) have been reported as pathogenic (Katsuno et al. 2001. PubMed ID: 11808349; Yang et al. 2014. PubMed ID: 25430699; Wang et al. 2005. PubMed ID: 15726306). This variant is reported in 0.0046% of alleles in individuals of European (Finnish) descent in gnomAD and has been interpreted as likely pathogenic by multiple labs in ClinVar. This variant is interpreted as likely pathogenic.

Fulgent Genetics
Classification: Likely pathogenic for Hypokalemic periodic paralysis, type 1; Thyrotoxic periodic paralysis, susceptibility to, 1; Malignant hyperthermia, susceptibility to, 5. Last evaluated: 2021-09-26. Review status: criteria provided, single submitter. Criteria: ACMG Guidelines, 2015. Collection method: clinical testing. Allele origin: unknown.

Literature cited by the submitters: PubMed 29193480 (cited by Labcorp Genetics (formerly Invitae), Labcorp and Variantyx, Inc.); PubMed 7847370 (cited by Labcorp Genetics (formerly Invitae), Labcorp and Variantyx, Inc.); PubMed 7987325 (cited by Labcorp Genetics (formerly Invitae), Labcorp and Variantyx, Inc.); PubMed 9066893 (cited by Labcorp Genetics (formerly Invitae), Labcorp and Variantyx, Inc.); PubMed 11034874 (cited by Labcorp Genetics (formerly Invitae), Labcorp and Variantyx, Inc.); PubMed 11808349 (cited by Labcorp Genetics (formerly Invitae), Labcorp and Variantyx, Inc.); PubMed 15726306 (cited by Labcorp Genetics (formerly Invitae), Labcorp and Variantyx, Inc.); PubMed 19822448 (cited by Labcorp Genetics (formerly Invitae), Labcorp).